The following is an entry in ClinVar:

ClinVar aggregate classification (germline): Uncertain significance (1 of 4 stars; one submission).

Conditions:
Inborn genetic diseases. Identifiers: MedGen C0950123, MeSH D030342.

Submission:

Ambry Genetics
Classification: Uncertain significance for Inborn genetic diseases. Last evaluated: 2025-02-20. Review status: criteria provided, single submitter. Criteria: Ambry Variant Classification Scheme 2023. Collection method: clinical testing. Allele origin: germline.
Comment: The p.S1211P variant (also known as c.3631T>C), located in coding exon 17 of the MECOM gene, results from a T to C substitution at nucleotide position 3631. The serine at codon 1211 is replaced by proline, an amino acid with similar properties. This amino acid position is conserved. In addition, this alteration is predicted to be tolerated by in silico analysis. Based on the available evidence, the clinical significance of this variant remains unclear.

NM_004991.4(MECOM):c.3631T>C (p.Ser1211Pro)

Gene: MECOM (MDS1 and EVI1 complex locus; minus strand). Cytogenetic location: 3q26.2.
Variant type: single nucleotide variant.
Coding change: c.3631T>C on transcript NM_004991.4 (MANE Select); coding-DNA position 3631, T replaced by C.
Protein change: p.Ser1211Pro; replaces serine 1211 with proline.
Molecular consequence: missense variant.
Genome position (GRCh38, 1-based): chr3:169,084,998, A>G on the plus strand (T>C on the coding strand, the complement: MECOM is on the minus strand). VCF-style: chr3-169084998-A-G. GRCh37 (hg19) VCF-style: chr3-168802786-A-G.
Other names: c.3262T>C, p.Ser1088Pro (NM_001105077.4); c.3067T>C, p.Ser1023Pro (NM_001105078.4, NM_001205194.2, NM_001366469.2 and 1 more transcripts); c.3043T>C, p.Ser1015Pro (NM_001163999.2, NM_001366470.2); c.3040T>C, p.Ser1014Pro (NM_001164000.2, NM_001366471.2, NM_001366472.2); c.3604T>C, p.Ser1202Pro (NM_001366466.2); c.3070T>C, p.Ser1024Pro (NM_001366467.2, NM_001366468.2); c.2632T>C, p.Ser878Pro (NM_001366473.2); c.2068T>C, p.Ser690Pro (NM_001366474.2); short protein forms S1014P, S1015P, S1023P, S1024P, S1088P, S1202P, S1211P, S690P.
Identifiers: ClinVar variation 3871844 (VCV003871844.1).